The following is an entry in ClinVar:

ClinVar aggregate classification (germline): Uncertain significance (1 of 4 stars; one submission).

Conditions:
Infantile-onset X-linked spinal muscular atrophy. Also called: ARTHROGRYPOSIS, X-LINKED, TYPE I; Spinal muscular atrophy, X-linked 2; Spinal Muscular Atrophy, X-Linked Infantile; SPINAL MUSCULAR ATROPHY, X-LINKED LETHAL INFANTILE; AMC, DISTAL, X-LINKED. Identifiers: Orphanet 1145, MedGen C1844934, MONDO:0010532, OMIM 301830.

Submission:

Labcorp Genetics (formerly Invitae), Labcorp
Classification: Uncertain significance for Infantile-onset X-linked spinal muscular atrophy. Last evaluated: 2022-12-31. Review status: criteria provided, single submitter. Criteria: Invitae Variant Classification Sherloc (09022015). Collection method: clinical testing. Allele origin: germline.
Comment: This sequence change replaces threonine, which is neutral and polar, with serine, which is neutral and polar, at codon 682 of the UBA1 protein (p.Thr682Ser). This variant is not present in population databases (gnomAD no frequency). This variant has not been reported in the literature in individuals affected with UBA1-related conditions. Algorithms developed to predict the effect of missense changes on protein structure and function (SIFT, PolyPhen-2, Align-GVGD) all suggest that this variant is likely to be tolerated. In summary, the available evidence is currently insufficient to determine the role of this variant in disease. Therefore, it has been classified as a Variant of Uncertain Significance.

NM_003334.4(UBA1):c.2045C>G (p.Thr682Ser)

Gene: UBA1 (ubiquitin like modifier activating enzyme 1; plus strand). Cytogenetic location: Xp11.3.
Variant type: single nucleotide variant.
Coding change: c.2045C>G on transcript NM_003334.4 (MANE Select); coding-DNA position 2045, C replaced by G.
Protein change: p.Thr682Ser; replaces threonine 682 with serine.
Molecular consequence: missense variant.
Genome position (GRCh38, 1-based): chrX:47,209,969, C>G. VCF-style: chrX-47209969-C-G. GRCh37 (hg19) VCF-style: chrX-47069368-C-G.
Other names: c.2045C>G, p.Thr682Ser (NM_153280.3); short protein forms T682S.
Identifiers: ClinVar variation 3018124 (VCV003018124.3), dbSNP rs2521601447, ClinGen allele CA412806515.
Genomic context (GRCh38, chrX:47,209,969, plus strand): 5'-CCTCTTCGATTCCTGATAGAGACCCCAAGTTTGTGGAGCGAACACTGCGGCTGGCAGGCA[C>G]TCAGCCCTTGGAGGTGCTGGAGGCTGTGCAGCGCAGCCTGGTGCTGCAGCGACCACAGAC-3'
Protein context (NP_003325.2, residues 672-692): FVERTLRLAG[Thr682Ser]QPLEVLEAVQ